The following is an entry in ClinVar:

NM_006005.3(WFS1):c.1452T>G (p.Leu484=)

Gene: WFS1 (wolframin ER transmembrane glycoprotein; plus strand). Cytogenetic location: 4p16.1.
Variant type: single nucleotide variant.
Coding change: c.1452T>G on transcript NM_006005.3 (MANE Select); coding-DNA position 1452, T replaced by G.
Protein change: p.Leu484=; no amino-acid change (leucine 484 retained).
Molecular consequence: synonymous variant.
Genome position (GRCh38, 1-based): chr4:6,301,247, T>G. VCF-style: chr4-6301247-T-G. GRCh37 (hg19) VCF-style: chr4-6302974-T-G.
Other names: c.1452T>G, p.Leu484= (NM_001145853.1).
Identifiers: ClinVar variation 1645049 (VCV001645049.10), dbSNP rs371470711, ClinGen allele CA2839357.

ClinVar aggregate classification (germline): Benign/Likely benign. Review status: criteria provided, multiple submitters, no conflicts (2 of 4 stars). 3 submissions from 3 submitters: Benign (1); Likely benign (2). Last evaluated 2025-12-30.

Conditions:
Wolfram syndrome 1 (WFS1). Identifiers: Orphanet 3463, MedGen C4551693, MONDO:0009101, OMIM 222300.

Allele frequency attached by ClinVar (database versions not stated): ExAC 0.00004; gnomAD 0.00009 and 0.00010; TOPMed 0.00012; ESP Exome Variant Server 0.00015.
gnomAD v4.1: 40 of 1,611,484 alleles (0.0025%); highest among the groups gnomAD compares: African/African-American, 0.048%; 1 homozygote.

Submissions (3):

Labcorp Genetics (formerly Invitae), Labcorp
Classification: Likely benign. Last evaluated: 2025-12-30. Review status: criteria provided, single submitter. Criteria: Invitae Variant Classification Sherloc (09022015). Collection method: clinical testing. Allele origin: germline.

Blueprint Genetics
Classification: Likely benign. Last evaluated: 2022-09-01. Review status: criteria provided, single submitter. Criteria: ACMG Guidelines, 2015. Collection method: clinical testing. Allele origin: germline.

Clinical Genomics, Uppaluri K&H Personalized Medicine Clinic
Classification: Benign for Wolfram syndrome 1. Review status: criteria provided, single submitter. Criteria: K & H Uppaluri Personalized Medicine Clinic Variant Classification & Assertion Criteria_Updated V.1. Collection method: research. Allele origin: unknown. Inheritance: Autosomal recessive inheritance.
Comment: Potent mutations in WFS1 gene are associated with Wolfram's syndrome, an autosomal recessive condition, which cause diabetes mellitus, diabetes insipidus, deafness and optic atrophy. However no sufficient evidence is found to ascertain the role of this particular variant rs371470711 in Wolfram's syndrome yet.

Literature cited by the submitters: PubMed 20738327 (cited by Clinical Genomics, Uppaluri K&H Personalized Medicine Clinic); PubMed 33879153 (cited by Clinical Genomics, Uppaluri K&H Personalized Medicine Clinic); PubMed 12955714 (cited by Clinical Genomics, Uppaluri K&H Personalized Medicine Clinic); PubMed 18060660 (cited by Clinical Genomics, Uppaluri K&H Personalized Medicine Clinic); PubMed 20301750 (cited by Clinical Genomics, Uppaluri K&H Personalized Medicine Clinic); PubMed 17603484 (cited by Clinical Genomics, Uppaluri K&H Personalized Medicine Clinic).